The following is an entry in ClinVar:

ClinVar aggregate classification (germline): Benign. Review status: criteria provided, multiple submitters, no conflicts (2 of 4 stars). 2 submissions from 2 submitters: Benign (2). Last evaluated 2018-03-06.

Conditions:
Phosphoenolpyruvate carboxykinase deficiency, cytosolic (PCKDC). Also called: PCK1 DEFICIENCY, CYTOSOLIC; PEPCK DEFICIENCY, CYTOSOLIC. Identifiers: Orphanet 2880, MedGen C5574905, MONDO:0009866, OMIM 261680.

Allele frequency attached by ClinVar (database versions not stated): gnomAD 0.08805 and 0.08366; TOPMed 0.09465; 1000 Genomes Project 30x 0.12430; 1000 Genomes Project 0.12780; gnomAD exomes 0.04704.

Submissions (2):

Illumina Laboratory Services, Illumina
Classification: Benign for Phosphoenolpyruvate carboxykinase deficiency, cytosolic. Last evaluated: 2018-03-06. Review status: criteria provided, single submitter. Criteria: ICSL Variant Classification Criteria 13 December 2019. Collection method: clinical testing. Allele origin: germline.
Comment: This variant was observed in the ICSL laboratory as part of a predisposition screen in an ostensibly healthy population. It had not been previously curated by ICSL or reported in the Human Gene Mutation Database (HGMD: prior to June 1st, 2018), and was therefore a candidate for classification through an automated scoring system. Utilizing variant allele frequency, disease prevalence and penetrance estimates, and inheritance mode, an automated score was calculated to assess if this variant is too frequent to cause the disease. Based on the score and internal cut-off values, a variant classified as benign is not then subjected to further curation. The score for this variant resulted in a classification of benign for this disease.

Breakthrough Genomics
Classification: Benign. Review status: criteria provided, single submitter. Criteria: ACMG Guidelines, 2015. Collection method: not provided. Allele origin: germline. Inheritance: Autosomal recessive inheritance. Affected: yes.

NM_002591.4(PCK1):c.*431T>C

Gene: PCK1 (phosphoenolpyruvate carboxykinase 1; plus strand). Cytogenetic location: 20q13.31.
Variant type: single nucleotide variant.
Coding change: c.*431T>C on transcript NM_002591.4 (MANE Select); 431 bases downstream of the stop codon, T replaced by C.
Molecular consequence: 3 prime UTR variant.
Genome position (GRCh38, 1-based): chr20:57,566,235, T>C. VCF-style: chr20-57566235-T-C. GRCh37 (hg19) VCF-style: chr20-56141291-T-C.
Identifiers: ClinVar variation 338916 (VCV000338916.6), dbSNP rs28359554, ClinGen allele CA10653272.